The following is an entry in ClinVar:

NM_024529.5(CDC73):c.1418-6_1419del

Gene: CDC73 (cell division cycle 73; plus strand). Cytogenetic location: 1q31.2.
Variant type: Deletion.
Coding change: c.1418-6_1419del on transcript NM_024529.5 (MANE Select); 6 bases into the intron before coding-DNA position 1418 through coding-DNA position 1419, 8 bases deleted (CTATAGTT; older notation c.1418-6_1419delCTATAGTT).
Molecular consequence: splice acceptor variant.
Genome position (GRCh38, 1-based): chr1:193,249,724-193,249,731, CTATAGTT deleted; deleting any 8 consecutive bases within chr1:193,249,723-193,249,731 gives the same sequence; the c. name uses the placement nearest the transcript's 3' end. VCF-style (leftmost placement, unchanged base first): chr1-193249722-CTCTATAGT-C. GRCh37 (hg19) VCF-style: chr1-193218852-CTCTATAGT-C.
Identifiers: ClinVar variation 4827906 (VCV004827906.1).

ClinVar aggregate classification (germline): Uncertain significance (1 of 4 stars; one submission).

Conditions:
Hereditary cancer-predisposing syndrome. Also called: Neoplastic Syndromes, Hereditary; Tumor predisposition; Hereditary Cancer Syndrome; Hereditary neoplastic syndrome. Identifiers: Orphanet 140162, MedGen C0027672, MeSH D009386, MONDO:0015356.

Submission:

Ambry Genetics
Classification: Uncertain significance for Hereditary cancer-predisposing syndrome. Last evaluated: 2026-02-24. Review status: criteria provided, single submitter. Criteria: Ambry Variant Classification Scheme 2023. Collection method: clinical testing. Allele origin: germline.
Comment: The c.1418-6_1419delCTATAGTT intronic variant begins 6 nucleotide(s) before coding exon 16 in the CDC73 gene. This variant results from a deletion of 8 nucleotides at positions c.1418-6 to c.1419. This nucleotide position is not well conserved in available vertebrate species. In silico splice site analysis predicts that this alteration will weaken the native splice acceptor site and will result in the creation or strengthening of a novel splice acceptor site. Based on the available evidence, the clinical significance of this variant remains unclear.